The following is an entry in ClinVar:

NM_001374736.1(DST):c.6413T>A (p.Leu2138Ter)

Gene: DST (dystonin; minus strand). Cytogenetic location: 6p12.1.
Variant type: single nucleotide variant.
Coding change: c.6413T>A on transcript NM_001374736.1 (MANE Select); coding-DNA position 6413, T replaced by A.
Protein change: p.Leu2138Ter; replaces leucine 2138 with a stop codon.
Molecular consequence: nonsense. On other transcripts: intron variant (6).
Genome position (GRCh38, 1-based): chr6:56,608,215, A>T on the plus strand (T>A on the coding strand, the complement: DST is on the minus strand). VCF-style: chr6-56608215-A-T. GRCh37 (hg19) VCF-style: chr6-56473013-A-T.
Other names: c.6413T>A, p.Leu2138Ter (NM_001374722.1); c.5780T>A, p.Leu1927Ter (NM_001374729.1); c.6440T>A, p.Leu2147Ter (NM_001374734.1); c.5184+2212T>A (NM_001144769.5); c.4770+2212T>A (NM_001144770.2); c.4650+2212T>A (NM_001374730.1, NM_001386100.1, NM_183380.4); c.3672+2212T>A (NM_015548.5); short protein forms L1927*, L2138*, L2147*.
Identifiers: ClinVar variation 3898422 (VCV003898422.7).

ClinVar aggregate classification (germline): Pathogenic (1 of 4 stars; one submission).

gnomAD v4.1: 22 of 1,613,662 alleles (0.0014%); highest among the groups gnomAD compares: Non-Finnish European, 0.0018%; no homozygotes.

Submission:

CeGaT Center for Human Genetics Tuebingen
Classification: Pathogenic. Last evaluated: 2025-04-01. Review status: criteria provided, single submitter. Criteria: CeGaT Center For Human Genetics Tuebingen Variant Classification Criteria Version 2. Collection method: clinical testing. Allele origin: germline. Affected: yes. Observed: 1 variant allele.
Comment: DST: PVS1, PM2